The following is an entry in ClinVar:

ClinVar aggregate classification (germline): Benign/Likely benign. Review status: criteria provided, multiple submitters, no conflicts (2 of 4 stars). 5 submissions from 5 submitters: Benign (2); Likely benign (2). 1 of the submissions does not count toward it. Last evaluated 2026-03-01.

Conditions:
FAT4-related disorder. Also called: FAT4-related condition.

Allele frequency attached by ClinVar (database versions not stated): gnomAD 0.00460 and 0.00423; ExAC 0.00126; ESP Exome Variant Server 0.00308; 1000 Genomes Project 30x 0.00328; 1000 Genomes Project 0.00379; TOPMed 0.00410.
gnomAD v4.1: 1,344 of 1,614,144 alleles (0.083%); highest among the groups gnomAD compares: African/African-American, 1.4%; 10 homozygotes.

Submissions (5):

CeGaT Center for Human Genetics Tuebingen
Classification: Likely benign. Last evaluated: 2026-03-01. Review status: criteria provided, single submitter. Criteria: CeGaT Center For Human Genetics Tuebingen Variant Classification Criteria Version 2. Collection method: clinical testing. Allele origin: germline. Affected: yes. Observed: 2 variant alleles.
Comment: FAT4: BP4, BP7, BS1

Labcorp Genetics (formerly Invitae), Labcorp
Classification: Benign. Last evaluated: 2026-01-27. Review status: criteria provided, single submitter. Criteria: Invitae Variant Classification Sherloc (09022015). Collection method: clinical testing. Allele origin: germline.

Blueprint Genetics
Classification: Likely benign. Last evaluated: 2024-09-13. Review status: criteria provided, single submitter. Criteria: ACMG Guidelines, 2015. Collection method: clinical testing. Allele origin: germline.

GeneDx
Classification: Benign. Last evaluated: 2021-10-19. Review status: criteria provided, single submitter. Criteria: GeneDx Variant Classification Process June 2021. Collection method: clinical testing. Allele origin: germline. Affected: yes.

PreventionGenetics, part of Exact Sciences
Classification: Benign for FAT4-related condition. Last evaluated: 2019-06-21. Review status: no assertion criteria provided. Collection method: clinical testing. Allele origin: germline. Not counted in ClinVar's aggregate classification.
Comment: This variant is classified as benign based on ACMG/AMP sequence variant interpretation guidelines (Richards et al. 2015 PMID: 25741868, with internal and published modifications).

NM_001291303.3(FAT4):c.14688C>T (p.His4896=)

Gene: FAT4 (FAT atypical cadherin 4; plus strand). Cytogenetic location: 4q28.1.
Variant type: single nucleotide variant.
Coding change: c.14688C>T on transcript NM_001291303.3 (MANE Select); coding-DNA position 14688, C replaced by T.
Protein change: p.His4896=; no amino-acid change (histidine 4896 retained).
Molecular consequence: synonymous variant.
Genome position (GRCh38, 1-based): chr4:125,491,504, C>T. VCF-style: chr4-125491504-C-T. GRCh37 (hg19) VCF-style: chr4-126412659-C-T.
Other names: c.14685C>T, p.His4895= (NM_001291285.3); c.14682C>T, p.His4894= (NM_024582.6).
Identifiers: ClinVar variation 384882 (VCV000384882.22), dbSNP rs35862879, ClinGen allele CA3074606.
Genomic context (GRCh38, chr4:125,491,504, plus strand): 5'-TGAATCTGATGCAGATGATGAAGATAATTATGGAGCCAGACTGAAGCCTCGAAGGTACCA[C>T]GGTCGCAGGGCCGAGGGAGGACCTGTGGGCACCCAGGCAGCAGCACCAGGCACTGCTGAC-3'
Protein context (NP_001278232.1, residues 4886-4906): YGARLKPRRY[His4896=]GRRAEGGPVG